The following is an entry in ClinVar:

NM_020320.5(RARS2):c.-8A>C

Gene: RARS2 (arginyl-tRNA synthetase 2, mitochondrial; minus strand). Cytogenetic location: 6q15.
Variant type: single nucleotide variant.
Coding change: c.-8A>C on transcript NM_020320.5 (MANE Select); 8 bases upstream of the start codon, A replaced by C.
Molecular consequence: 5 prime UTR variant. On other transcripts: non-coding transcript variant (23).
Genome position (GRCh38, 1-based): chr6:87,589,965, T>G on the plus strand (A>C on the coding strand, the complement: RARS2 is on the minus strand). VCF-style: chr6-87589965-T-G. GRCh37 (hg19) VCF-style: chr6-88299683-T-G.
Other names: c.-698A>C (NM_001318785.2); c.-8A>C (NM_001350505.2, NM_020320.4); c.-754A>C (NM_001350506.2, NM_001350510.2); c.-877A>C (NM_001350507.2); c.-916A>C (NM_001350508.2); c.-624A>C (NM_001350509.2); c.-873A>C (NM_001350511.2).
Identifiers: ClinVar variation 138893 (VCV000138893.14), dbSNP rs28381459, ClinGen allele CA319702.

ClinVar aggregate classification (germline): Benign/Likely benign. Review status: criteria provided, multiple submitters, no conflicts (2 of 4 stars). 7 submissions from 7 submitters: Benign (1); Likely benign (4). 2 of the submissions do not count toward it. Last evaluated 2025-08-20.

Conditions:
RARS2-related disorder. Also called: RARS2-related condition.
Pontocerebellar hypoplasia type 6 (PCH6). Identifiers: Orphanet 166073, MedGen C1969084, MONDO:0012683, OMIM 611523.

Allele frequency attached by ClinVar (database versions not stated): 1000 Genomes Project 0.00060; 1000 Genomes Project 30x 0.00062; TOPMed 0.00227; gnomAD 0.00245; ESP Exome Variant Server 0.00300.
gnomAD v4.1: 5,518 of 1,614,218 alleles (0.34%); highest among the groups gnomAD compares: Non-Finnish European, 0.42%; 15 homozygotes.

Submissions (7):

Mayo Clinic Laboratories, Mayo Clinic
Classification: Likely benign. Last evaluated: 2025-08-20. Review status: criteria provided, single submitter. Criteria: ACMG Guidelines, 2015. Collection method: clinical testing. Allele origin: germline. Observed: 8 variant alleles.
Comment: BS1, BP4, BP7

Blueprint Genetics
Classification: Likely benign. Last evaluated: 2024-11-18. Review status: criteria provided, single submitter. Criteria: ACMG Guidelines, 2015. Collection method: clinical testing. Allele origin: germline.

Illumina Laboratory Services, Illumina
Classification: Likely benign for Pontocerebellar hypoplasia type 6. Last evaluated: 2018-01-13. Review status: criteria provided, single submitter. Criteria: ICSL Variant Classification Criteria 13 December 2019. Collection method: clinical testing. Allele origin: germline.
Comment: This variant was observed in the ICSL laboratory as part of a predisposition screen in an ostensibly healthy population. It had not been previously curated by ICSL or reported in the Human Gene Mutation Database (HGMD: prior to June 1st, 2018), and was therefore a candidate for classification through an automated scoring system. Utilizing variant allele frequency, disease prevalence and penetrance estimates, and inheritance mode, an automated score was calculated to assess if this variant is too frequent to cause the disease. Based on the score and internal cut-off values, a variant classified as likely benign is not then subjected to further curation. The score for this variant resulted in a classification of likely benign for this disease.

Genetic Services Laboratory, University of Chicago
Classification: Likely benign. Last evaluated: 2015-06-05. Review status: criteria provided, single submitter. Criteria: ACMG Guidelines, 2015. Collection method: clinical testing. Allele origin: germline.

GeneDx
Classification: Benign. Last evaluated: 2014-04-18. Review status: criteria provided, single submitter. Criteria: GeneDx Variant Classification (06012015). Collection method: clinical testing. Allele origin: germline. Affected: yes.
Comment: This variant is considered likely benign or benign based on one or more of the following criteria: it is a conservative change, it occurs at a poorly conserved position in the protein, it is predicted to be benign by multiple in silico algorithms, and/or has population frequency not consistent with disease.

Natera, Inc.
Classification: Benign for Pontocerebellar hypoplasia, type 6. Last evaluated: 2020-09-16. Review status: no assertion criteria provided. Collection method: clinical testing. Allele origin: germline. Not counted in ClinVar's aggregate classification.

PreventionGenetics, part of Exact Sciences
Classification: Likely benign for RARS2-related condition. Last evaluated: 2020-01-07. Review status: no assertion criteria provided. Collection method: clinical testing. Allele origin: germline. Not counted in ClinVar's aggregate classification.
Comment: This variant is classified as likely benign based on ACMG/AMP sequence variant interpretation guidelines (Richards et al. 2015 PMID: 25741868, with internal and published modifications).